The following is an entry in ClinVar:

ClinVar aggregate classification (germline): Uncertain significance (1 of 4 stars; one submission).

Conditions:
Hereditary cancer-predisposing syndrome. Also called: Neoplastic Syndromes, Hereditary; Tumor predisposition; Hereditary Cancer Syndrome; Hereditary neoplastic syndrome. Identifiers: Orphanet 140162, MedGen C0027672, MeSH D009386, MONDO:0015356.

Submission:

Ambry Genetics
Classification: Uncertain significance for Hereditary cancer-predisposing syndrome. Last evaluated: 2023-09-11. Review status: criteria provided, single submitter. Criteria: Ambry Variant Classification Scheme 2023. Collection method: clinical testing. Allele origin: germline.
Comment: The p.G308C variant (also known as c.922G>T), located in coding exon 4 of the MSH6 gene, results from a G to T substitution at nucleotide position 922. The glycine at codon 308 is replaced by cysteine, an amino acid with highly dissimilar properties. This amino acid position is not well conserved in available vertebrate species. In addition, this alteration is predicted to be tolerated by in silico analysis. Since supporting evidence is limited at this time, the clinical significance of this alteration remains unclear.

NM_000179.3(MSH6):c.922G>T (p.Gly308Cys)

Gene: MSH6 (mutS homolog 6; plus strand). Cytogenetic location: 2p16.3.
Variant type: single nucleotide variant.
Coding change: c.922G>T on transcript NM_000179.3 (MANE Select); coding-DNA position 922, G replaced by T.
Protein change: p.Gly308Cys; replaces glycine 308 with cysteine.
Molecular consequence: missense variant.
Genome position (GRCh38, 1-based): chr2:47,798,905, G>T. VCF-style: chr2-47798905-G-T. GRCh37 (hg19) VCF-style: chr2-48026044-G-T.
Other names: c.532G>T, p.Gly178Cys (NM_001281492.2); c.16G>T, p.Gly6Cys (NM_001281493.2, NM_001281494.2, NM_001406811.1 and 6 more transcripts); c.1018G>T, p.Gly340Cys (NM_001406795.1, NM_001406802.1); c.922G>T, p.Gly308Cys (NM_001406796.1, NM_001406798.1, NM_001406800.1 and 4 more transcripts); c.625G>T, p.Gly209Cys (NM_001406797.1, NM_001406801.1, NM_001406805.1 and 10 more transcripts); c.397G>T, p.Gly133Cys (NM_001406799.1, NM_001406806.1, NM_001406807.1); c.844G>T, p.Gly282Cys (NM_001406804.1); c.928G>T, p.Gly310Cys (NM_001406813.1); and 1 more; short protein forms G209C, G340C, G133C, G282C, G308C, G310C, G178C, G252C.
Identifiers: ClinVar variation 1766268 (VCV001766268.3), dbSNP rs370174372, ClinGen allele CA346740743.